The following is an entry in ClinVar:

NM_021939.4(FKBP10):c.781G>A (p.Val261Met)

Gene: FKBP10 (FKBP prolyl isomerase 10; plus strand). Cytogenetic location: 17q21.2.
Variant type: single nucleotide variant.
Coding change: c.781G>A on transcript NM_021939.4 (MANE Select); coding-DNA position 781, G replaced by A.
Protein change: p.Val261Met; replaces valine 261 with methionine.
Molecular consequence: missense variant.
Genome position (GRCh38, 1-based): chr17:41,819,263, G>A. VCF-style: chr17-41819263-G-A. GRCh37 (hg19) VCF-style: chr17-39975515-G-A.
Other names: short protein forms V261M.
Identifiers: ClinVar variation 811086 (VCV000811086.9), dbSNP rs781821453, ClinGen allele CA290699084.

ClinVar aggregate classification (germline): Uncertain significance. Review status: criteria provided, multiple submitters, no conflicts (2 of 4 stars). 2 submissions from 2 submitters: Uncertain significance (2). Last evaluated 2018-07-31.

Allele frequency attached by ClinVar (database versions not stated): gnomAD 0.00001; TOPMed 0.00001; gnomAD exomes 0.00002.

Submissions (2):

ARUP Laboratories, Molecular Genetics and Genomics, ARUP Laboratories
Classification: Uncertain significance. Last evaluated: 2018-07-31. Review status: criteria provided, single submitter. Criteria: ARUP Molecular Germline Variant Investigation Process. Collection method: clinical testing. Allele origin: germline.
Comment: The FKBP10 c.781G>A; p.Val261Met variant (rs781821453), to our knowledge, is not reported in the medical literature or gene specific databases. This variant is found in the general population with an overall allele frequency of 0.003% (1/30920 alleles) in the Genome Aggregation Database. The valine at codon 261 is moderately conserved, but computational analyses (SIFT: tolerated, PolyPhen-2: damaging) predict conflicting effects of this variant on protein structure/function. Due to lack of clinical and functional data regarding this variant, its clinical significance cannot be determined with certainty.

Breakthrough Genomics
Classification: Uncertain significance. Review status: criteria provided, single submitter. Criteria: ACMG Guidelines, 2015. Collection method: not provided. Allele origin: germline. Inheritance: Autosomal recessive inheritance. Affected: yes.